The following is an entry in ClinVar:

ClinVar aggregate classification (germline): Uncertain significance (1 of 4 stars; one submission).

Submission:

GeneDx
Classification: Uncertain significance. Last evaluated: 2025-06-06. Review status: criteria provided, single submitter. Criteria: GeneDx Variant Classification Process June 2021. Collection method: clinical testing. Allele origin: germline. Affected: yes.
Comment: Not observed at significant frequency in large population cohorts (gnomAD); In silico analysis supports that this missense variant has a deleterious effect on protein structure/function; Has not been previously published as pathogenic or benign to our knowledge

NM_000719.7(CACNA1C):c.5693C>G (p.Ser1898Cys)

Genes: CACNA1C (calcium voltage-gated channel subunit alpha1 C; plus strand), CACNA1C-AS1 (CACNA1C antisense RNA 1; minus strand). Cytogenetic location: 12p13.33.
Variant type: single nucleotide variant.
Coding change: c.5693C>G on transcript NM_000719.7 (MANE Select); coding-DNA position 5693, C replaced by G.
Protein change: p.Ser1898Cys; replaces serine 1898 with cysteine.
Molecular consequence: missense variant.
Genome position (GRCh38, 1-based): chr12:2,686,178, C>G. VCF-style: chr12-2686178-C-G. GRCh37 (hg19) VCF-style: chr12-2795344-C-G.
Other names: c.5837C>G, p.Ser1946Cys (NM_001129827.2); c.5816C>G, p.Ser1939Cys (NM_001129829.2); c.5798C>G, p.Ser1933Cys (NM_001129830.3, NM_001167624.3); c.5777C>G, p.Ser1926Cys (NM_001129831.2); c.5753C>G, p.Ser1918Cys (NM_001129832.2); c.5750C>G, p.Ser1917Cys (NM_001129833.2, NM_001129834.2, NM_001129835.2); c.5744C>G, p.Ser1915Cys (NM_001129836.2); c.5717C>G, p.Ser1906Cys (NM_001129837.2, NM_001129838.2); and 6 more; short protein forms S1887C, S1895C, S1898C, S1904C, S1906C, S1915C, S1917C, S1918C.
Identifiers: ClinVar variation 4536196 (VCV004536196.1).